The following is an entry in ClinVar:

ClinVar aggregate classification (germline): Uncertain significance. Review status: criteria provided, multiple submitters, no conflicts (2 of 4 stars). 2 submissions from 2 submitters: Uncertain significance (2). Last evaluated 2021-08-31.

Conditions:
Meckel-Gruber syndrome. Also called: Dysencephalia splachnocystica; DYSENCEPHALIA SPLANCHNOCYSTICA; GRUBER SYNDROME. Identifiers: Orphanet 564, MedGen C0265215, MONDO:0018921.
Joubert syndrome. Also called: Familial aplasia of the vermis; JOUBERT-BOLTSHAUSER SYNDROME. Identifiers: Orphanet 475, MedGen C5979921, MONDO:0018772.
Joubert syndrome 9 (JBTS9). Identifiers: Orphanet 2318, MedGen C2676788, MONDO:0012849, OMIM 612285.
Meckel syndrome, type 6. Identifiers: Orphanet 564, MedGen C2676790, MONDO:0012848, OMIM 612284.
Retinitis pigmentosa 93. Identifiers: MedGen C5676970, MONDO:0030797, OMIM 619845.
COACH syndrome 2. Identifiers: MedGen C5436837, MONDO:0030859, OMIM 619111.

Allele frequency attached by ClinVar (database versions not stated): gnomAD below 0.00001 and 0.00001; gnomAD exomes below 0.00001; TOPMed 0.00001.
gnomAD v4.1: 2 of 1,613,200 alleles (0.00012%); highest among the groups gnomAD compares: South Asian, 0.0011%; no homozygotes.

Submissions (2):

Labcorp Genetics (formerly Invitae), Labcorp
Classification: Uncertain significance for Joubert syndrome; Meckel-Gruber syndrome. Last evaluated: 2021-08-31. Review status: criteria provided, single submitter. Criteria: Invitae Variant Classification Sherloc (09022015). Collection method: clinical testing. Allele origin: germline.

Juno Genomics, Hangzhou Juno Genomics, Inc
Classification: Uncertain significance for COACH syndrome 2; Joubert syndrome 9; Meckel syndrome, type 6; Retinitis pigmentosa 93. Review status: criteria provided, single submitter. Criteria: ACMG Guidelines, 2015. Collection method: clinical testing. Allele origin: germline.
Comment: Absent from controls (or at extremely low frequency if recessive) in Genome Aggregation Database.;Multiple lines of computational evidence support a deleterious effect on the gene or gene product.

NM_001378615.1(CC2D2A):c.4139G>A (p.Gly1380Asp)

Genes: CC2D2A (coiled-coil and C2 domain containing 2A; plus strand), FBXL5 (F-box and leucine rich repeat protein 5; minus strand). Cytogenetic location: 4p15.32.
Variant type: single nucleotide variant.
Coding change: c.4139G>A on transcript NM_001378615.1 (MANE Select); coding-DNA position 4139, G replaced by A.
Protein change: p.Gly1380Asp; replaces glycine 1380 with aspartic acid.
Molecular consequence: missense variant.
Genome position (GRCh38, 1-based): chr4:15,587,889, G>A. VCF-style: chr4-15587889-G-A. GRCh37 (hg19) VCF-style: chr4-15589512-G-A.
Other names: c.4139G>A, p.Gly1380Asp (NM_001080522.2); c.3992G>A, p.Gly1331Asp (NM_001378617.1); short protein forms G1380D, G1331D.
Identifiers: ClinVar variation 575057 (VCV000575057.6), dbSNP rs1271963891, ClinGen allele CA356429096.